The following is an entry in ClinVar:

NM_001134831.2(AHI1):c.1913-319G>A

Gene: AHI1 (Abelson helper integration site 1; minus strand). Cytogenetic location: 6q23.3.
Variant type: single nucleotide variant.
Coding change: c.1913-319G>A on transcript NM_001134831.2 (MANE Select); 319 bases into the intron before coding-DNA position 1913, G replaced by A.
Molecular consequence: intron variant.
Genome position (GRCh38, 1-based): chr6:135,438,817, C>T on the plus strand (G>A on the coding strand, the complement: AHI1 is on the minus strand). VCF-style: chr6-135438817-C-T. GRCh37 (hg19) VCF-style: chr6-135759955-C-T.
Other names: c.1913-319G>A (NM_001134830.2, NM_001350503.2, NM_017651.5 and 2 more transcripts).
Identifiers: ClinVar variation 673521 (VCV000673521.1), dbSNP rs79218814, ClinGen allele CA148126285.

ClinVar aggregate classification (germline): Benign (1 of 4 stars; one submission).

Allele frequency attached by ClinVar (database versions not stated): gnomAD 0.03189 and 0.03437; 1000 Genomes Project 0.03255; 1000 Genomes Project 30x 0.03342; TOPMed 0.03630.
gnomAD v4.1: 4,820 of 152,084 alleles (3.2%); highest among the groups gnomAD compares: African/African-American, 11%; 242 homozygotes.

Submission:

GeneDx
Classification: Benign. Last evaluated: 2018-06-16. Review status: criteria provided, single submitter. Criteria: GeneDx Variant Classification (06012015). Collection method: clinical testing. Allele origin: germline. Affected: yes.
Comment: This variant is considered likely benign or benign based on one or more of the following criteria: it is a conservative change, it occurs at a poorly conserved position in the protein, it is predicted to be benign by multiple in silico algorithms, and/or has population frequency not consistent with disease.